The following is an entry in ClinVar:

NM_024675.4(PALB2):c.283A>G (p.Lys95Glu)

Gene: PALB2 (partner and localizer of BRCA2; minus strand). Cytogenetic location: 16p12.2.
Variant type: single nucleotide variant.
Coding change: c.283A>G on transcript NM_024675.4 (MANE Select); coding-DNA position 283, A replaced by G.
Protein change: p.Lys95Glu; replaces lysine 95 with glutamic acid.
Molecular consequence: missense variant.
Genome position (GRCh38, 1-based): chr16:23,636,263, T>C on the plus strand (A>G on the coding strand, the complement: PALB2 is on the minus strand). VCF-style: chr16-23636263-T-C. GRCh37 (hg19) VCF-style: chr16-23647584-T-C.
Other names: short protein forms K95E.
Identifiers: ClinVar variation 821795 (VCV000821795.12), dbSNP rs1597099704, ClinGen allele CA395138835.

ClinVar aggregate classification (germline): Uncertain significance. Review status: criteria provided, multiple submitters, no conflicts (2 of 4 stars). 3 submissions from 3 submitters: Uncertain significance (3). Last evaluated 2025-01-19.

Conditions:
Hereditary cancer-predisposing syndrome. Also called: Tumor predisposition; Hereditary Cancer Syndrome; Neoplastic Syndromes, Hereditary; Hereditary neoplastic syndrome. Identifiers: Orphanet 140162, MedGen C0027672, MeSH D009386, MONDO:0015356.
Familial cancer of breast. Also called: BREAST CANCER, FAMILIAL; Hereditary breast cancer; hereditary breast carcinoma. Identifiers: Orphanet 227535, MedGen C0346153, MONDO:0016419, OMIM 114480. Disease mechanism: loss of function.

Allele frequency attached by ClinVar (database versions not stated): gnomAD exomes below 0.00001.
gnomAD v4.1: 2 of 1,613,866 alleles (0.00012%); highest among the groups gnomAD compares: African/African-American, 0.0013%; no homozygotes.

Submissions (3):

Ambry Genetics
Classification: Uncertain significance for Hereditary cancer-predisposing syndrome. Last evaluated: 2025-01-19. Review status: criteria provided, single submitter. Criteria: Ambry Variant Classification Scheme 2023. Collection method: clinical testing. Allele origin: germline.
Comment: The p.K95E variant (also known as c.283A>G), located in coding exon 4 of the PALB2 gene, results from an A to G substitution at nucleotide position 283. The lysine at codon 95 is replaced by glutamic acid, an amino acid with similar properties. This amino acid position is not well conserved in available vertebrate species. In addition, this alteration is predicted to be tolerated by in silico analysis. Since supporting evidence is limited at this time, the clinical significance of this alteration remains unclear.

Labcorp Genetics (formerly Invitae), Labcorp
Classification: Uncertain significance for Familial cancer of breast. Last evaluated: 2022-08-31. Review status: criteria provided, single submitter. Criteria: Invitae Variant Classification Sherloc (09022015). Collection method: clinical testing. Allele origin: germline.
Comment: This sequence change replaces lysine, which is basic and polar, with glutamic acid, which is acidic and polar, at codon 95 of the PALB2 protein (p.Lys95Glu). This variant is not present in population databases (gnomAD no frequency). This variant has not been reported in the literature in individuals affected with PALB2-related conditions. ClinVar contains an entry for this variant (Variation ID: 821795). Algorithms developed to predict the effect of missense changes on protein structure and function are either unavailable or do not agree on the potential impact of this missense change (SIFT: "Tolerated"; PolyPhen-2: "Possibly Damaging"; Align-GVGD: "Class C0"). In summary, the available evidence is currently insufficient to determine the role of this variant in disease. Therefore, it has been classified as a Variant of Uncertain Significance.

Color Diagnostics, LLC DBA Color Health
Classification: Uncertain significance for Hereditary cancer-predisposing syndrome. Last evaluated: 2022-04-18. Review status: criteria provided, single submitter. Criteria: ACMG Guidelines, 2015. Collection method: clinical testing. Allele origin: germline.
Comment: This missense variant replaces lysine with glutamic acid at codon 95 of the PALB2 protein. Computational prediction suggests that this variant may not impact protein structure and function (internally defined REVEL score threshold <= 0.5, PMID: 27666373). To our knowledge, functional studies have not been reported for this variant. This variant has not been reported in individuals affected with hereditary cancer in the literature. This variant has not been identified in the general population by the Genome Aggregation Database (gnomAD). The available evidence is insufficient to determine the role of this variant in disease conclusively. Therefore, this variant is classified as a Variant of Uncertain Significance.